The following is an entry in ClinVar:

ClinVar aggregate classification (germline): Uncertain significance (1 of 4 stars; one submission).

Conditions:
Glycogen storage disease type III (GSD3). Also called: Cori disease; FORBES DISEASE. Identifiers: Orphanet 366, MedGen C0017922, MONDO:0009291, OMIM 232400.

Allele frequency attached by ClinVar (database versions not stated): gnomAD exomes below 0.00001.
gnomAD v4.1: 2 of 1,610,082 alleles (0.00012%); highest among the groups gnomAD compares: African/African-American, 0.0013%; no homozygotes.

Submission:

Labcorp Genetics (formerly Invitae), Labcorp
Classification: Uncertain significance for Glycogen storage disease type III. Last evaluated: 2022-01-21. Review status: criteria provided, single submitter. Criteria: Invitae Variant Classification Sherloc (09022015). Collection method: clinical testing. Allele origin: germline.
Comment: This sequence change replaces methionine, which is neutral and non-polar, with threonine, which is neutral and polar, at codon 441 of the AGL protein (p.Met441Thr). This variant is present in population databases (no rsID available, gnomAD 0.007%). This variant has not been reported in the literature in individuals affected with AGL-related conditions. Algorithms developed to predict the effect of missense changes on protein structure and function output the following: SIFT: "Tolerated"; PolyPhen-2: "Benign"; Align-GVGD: "Class C0". The threonine amino acid residue is found in multiple mammalian species, which suggests that this missense change does not adversely affect protein function. In summary, the available evidence is currently insufficient to determine the role of this variant in disease. Therefore, it has been classified as a Variant of Uncertain Significance.

NM_000642.3(AGL):c.1322T>C (p.Met441Thr)

Gene: AGL (amylo-alpha-1,6-glucosidase and 4-alpha-glucanotransferase; plus strand). Cytogenetic location: 1p21.2.
Variant type: single nucleotide variant.
Coding change: c.1322T>C on transcript NM_000642.3 (MANE Select); coding-DNA position 1322, T replaced by C.
Protein change: p.Met441Thr; replaces methionine 441 with threonine.
Molecular consequence: missense variant.
Genome position (GRCh38, 1-based): chr1:99,876,496, T>C. VCF-style: chr1-99876496-T-C. GRCh37 (hg19) VCF-style: chr1-100342052-T-C.
Other names: c.1322T>C, p.Met441Thr (NM_000028.3, NM_000643.3, NM_000644.3 and 2 more transcripts); c.1274T>C, p.Met425Thr (NM_000646.3); c.1121T>C, p.Met374Thr (NM_001425327.1); c.1118T>C, p.Met373Thr (NM_001425328.1, NM_001425329.1); c.944T>C, p.Met315Thr (NM_001425332.1); short protein forms M441T, M425T, M315T, M373T, M374T.
Identifiers: ClinVar variation 1928889 (VCV001928889.5), dbSNP rs1294430435, ClinGen allele CA341345989.